The following is an entry in ClinVar:

ClinVar aggregate classification (germline): Uncertain significance. Review status: criteria provided, multiple submitters, no conflicts (2 of 4 stars). 2 submissions from 2 submitters: Uncertain significance (2). Last evaluated 2023-02-16.

Conditions:
Hereditary cancer-predisposing syndrome. Also called: Hereditary Cancer Syndrome; Hereditary neoplastic syndrome; Neoplastic Syndromes, Hereditary; Tumor predisposition. Identifiers: Orphanet 140162, MedGen C0027672, MeSH D009386, MONDO:0015356.

Submissions (2):

Ambry Genetics
Classification: Uncertain significance for Hereditary cancer-predisposing syndrome. Last evaluated: 2023-02-16. Review status: criteria provided, single submitter. Criteria: Ambry Variant Classification Scheme 2023. Collection method: clinical testing. Allele origin: germline.
Comment: The p.E781K variant (also known as c.2341G>A), located in coding exon 10 of the BLM gene, results from a G to A substitution at nucleotide position 2341. The glutamic acid at codon 781 is replaced by lysine, an amino acid with similar properties. This amino acid position is conserved. In addition, this alteration is predicted to be tolerated by in silico analysis. Since supporting evidence is limited at this time, the clinical significance of this alteration remains unclear.

Sema4
Classification: Uncertain significance for Hereditary cancer-predisposing syndrome. Last evaluated: 2021-09-15. Review status: criteria provided, single submitter. Criteria: Sema4 Curation Guidelines. Collection method: curation. Allele origin: germline.
Comment: The BLM c.2341G>A (p.E781K) variant has not been reported in the literature to our knowledge. It was not observed in the large and broad cohorts of the Genome Aggregation Database (PMID: 32461654). The variant has not been reported in ClinVar. Functional studies have not been performed, and in silico predictions of the variant's effect on protein function are inconclusive. The evidence is insufficient to meet ACMG/AMP criteria for classifying the variant as benign or pathogenic. Thus, the clinical significance of this variant is currently uncertain.

NM_000057.4(BLM):c.2341G>A (p.Glu781Lys)

Gene: BLM (BLM RecQ like helicase; plus strand). Cytogenetic location: 15q26.1.
Variant type: single nucleotide variant.
Coding change: c.2341G>A on transcript NM_000057.4 (MANE Select); coding-DNA position 2341, G replaced by A.
Protein change: p.Glu781Lys; replaces glutamic acid 781 with lysine.
Molecular consequence: missense variant.
Genome position (GRCh38, 1-based): chr15:90,769,166, G>A. VCF-style: chr15-90769166-G-A. GRCh37 (hg19) VCF-style: chr15-91312396-G-A.
Other names: c.2341G>A, p.Glu781Lys (NM_001287246.2, NM_001287247.2); c.1216G>A, p.Glu406Lys (NM_001287248.2); short protein forms E406K, E781K.
Identifiers: ClinVar variation 1692016 (VCV001692016.3), dbSNP rs2151165708, ClinGen allele CA393845092.